The following is an entry in ClinVar:

ClinVar aggregate classification (germline): Uncertain significance (1 of 4 stars; one submission).

Conditions:
Charcot-Marie-Tooth disease axonal type 2O. Also called: Charcot-Marie-Tooth disease, axonal, type 20; CHARCOT-MARIE-TOOTH NEUROPATHY, AXONAL, TYPE 2O; CHARCOT-MARIE-TOOTH DISEASE, AXONAL, AUTOSOMAL DOMINANT, TYPE 2O; Charcot-Marie-Tooth Neuropathy Type 2O. Identifiers: Orphanet 284232, MedGen C3280220, MONDO:0013644, OMIM 614228.

Submission:

Labcorp Genetics (formerly Invitae), Labcorp
Classification: Uncertain significance for Charcot-Marie-Tooth disease axonal type 2O. Last evaluated: 2022-08-23. Review status: criteria provided, single submitter. Criteria: Invitae Variant Classification Sherloc (09022015). Collection method: clinical testing. Allele origin: germline.
Comment: This variant results in a copy number gain of the genomic region encompassing exon(s) 44-78 of the DYNC1H1 gene. This region includes the termination codon of the gene. This copy number gain extends beyond the assayed region for this gene and therefore may encompass additional genes. As the precise location of this event is unknown, it may be in tandem or it may be located elsewhere in the genome. A similar copy number variant has been observed in individual(s) with DYNC1H1-related conditions (Invitae). A similar copy number variant has been observed in at least one individual who was not affected with DYNC1H1-related conditions (Invitae). Experimental studies and prediction algorithms are not available or were not evaluated, and the functional significance of this variant is currently unknown. In summary, the available evidence is currently insufficient to determine the role of this variant in disease. Therefore, it has been classified as a Variant of Uncertain Significance.

NC_000014.9:g.(?_102026564)_(102050573_?)dup

Gene: DYNC1H1 (dynein cytoplasmic 1 heavy chain 1; plus strand). Cytogenetic location: 14q32.31.
Variant type: Duplication.
Identifiers: ClinVar variation 832437 (VCV000832437.2).